The following is an entry in ClinVar:

ClinVar aggregate classification (germline): Conflicting classifications of pathogenicity. Review status: criteria provided, conflicting classifications (1 of 4 stars). 3 submissions from 3 submitters: Uncertain significance (1); Likely benign (1). 1 of the submissions does not count toward it. Last evaluated 2022-04-16.

Conditions:
SIM1-related disorder. Also called: SIM1-related disorders; SIM1-related condition.
Obesity due to SIM1 deficiency. Identifiers: Orphanet 369873, MedGen C5191050, MONDO:0018244.

Allele frequency attached by ClinVar (database versions not stated): gnomAD 0.00001.
gnomAD v4.1: 4 of 1,613,998 alleles (0.00025%); highest among the groups gnomAD compares: Admixed American, 0.0033%; no homozygotes.

Submissions (3):

Labcorp Genetics (formerly Invitae), Labcorp
Classification: Likely benign. Last evaluated: 2022-04-16. Review status: criteria provided, single submitter. Criteria: Invitae Variant Classification Sherloc (09022015). Collection method: clinical testing. Allele origin: germline.

Illumina Laboratory Services, Illumina
Classification: Uncertain significance for Obesity due to SIM1 deficiency. Last evaluated: 2018-01-12. Review status: criteria provided, single submitter. Criteria: ICSL Variant Classification Criteria 13 December 2019. Collection method: clinical testing. Allele origin: germline.

PreventionGenetics, part of Exact Sciences
Classification: Likely benign for SIM1-related condition. Last evaluated: 2020-09-02. Review status: no assertion criteria provided. Collection method: clinical testing. Allele origin: germline. Not counted in ClinVar's aggregate classification.
Comment: This variant is classified as likely benign based on ACMG/AMP sequence variant interpretation guidelines (Richards et al. 2015 PMID: 25741868, with internal and published modifications).

NM_005068.3(SIM1):c.1452C>G (p.Ala484=)

Genes: SIM1 (SIM bHLH transcription factor 1; minus strand), SIM1-AS1 (SIM1 antisense RNA 1; plus strand). Cytogenetic location: 6q16.3.
Variant type: single nucleotide variant.
Coding change: c.1452C>G on transcript NM_005068.3 (MANE Select); coding-DNA position 1452, C replaced by G.
Protein change: p.Ala484=; no amino-acid change (alanine 484 retained).
Molecular consequence: synonymous variant.
Genome position (GRCh38, 1-based): chr6:100,393,605, G>C on the plus strand (C>G on the coding strand, the complement: SIM1 is on the minus strand). VCF-style: chr6-100393605-G-C. GRCh37 (hg19) VCF-style: chr6-100841481-G-C.
Other names: c.1452C>G, p.Ala484= (NM_001374769.1).
Identifiers: ClinVar variation 905504 (VCV000905504.10), dbSNP rs779506359, ClinGen allele CA3937017.
Genomic context (GRCh38, chr6:100,393,605, plus strand): 5'-TTCTGGGGAGGCCTTTGTCAGGGGCAAGGCTGCGCGAGAGCCCCACCAGGGCTCCCTCCC[G>C]GCCTGCGGCGTTCCCAGGAAGTACCTGCCTGCCTCACATCGGCCTCCTTCACAGGCCTGG-3'
Protein context (NP_005059.2, residues 474-494): AGRYFLGTPQ[Ala484=]GREPWWGSRA